The following is an entry in ClinVar:

NM_001122955.4(BSCL2):c.78C>G (p.Asp26Glu)

Genes: HNRNPUL2-BSCL2 (HNRNPUL2-BSCL2 readthrough (NMD candidate); minus strand), BSCL2 (BSCL2 lipid droplet biogenesis associated, seipin; minus strand), GNG3 (G protein subunit gamma 3; plus strand). Cytogenetic location: 11q12.3.
Variant type: single nucleotide variant.
Coding change: c.78C>G on transcript NM_001122955.4 (MANE Select); coding-DNA position 78, C replaced by G.
Protein change: p.Asp26Glu; replaces aspartic acid 26 with glutamic acid.
Molecular consequence: missense variant. On other transcripts: non-coding transcript variant (1).
Genome position (GRCh38, 1-based): chr11:62,707,118, G>C on the plus strand (C>G on the coding strand, the complement: BSCL2 is on the minus strand). VCF-style: chr11-62707118-G-C. GRCh37 (hg19) VCF-style: chr11-62474590-G-C.
Other names: c.78C>G, p.Asp26Glu (NM_001386027.1, NM_001386028.1); c.78C>G (NM_001122955.3); short protein forms D26E.
Identifiers: ClinVar variation 1699870 (VCV001699870.3), dbSNP rs1166256164, ClinGen allele CA380971462.

ClinVar aggregate classification (germline): Uncertain significance. Review status: criteria provided, single submitter (1 of 4 stars). 2 submissions from 2 submitters: Uncertain significance (1). 1 of the submissions does not count toward it. Last evaluated 2022-02-01.

Conditions:
BSCL2-related disorder. Also called: BSCL2-Related Disorders; BSCL2-related condition.

gnomAD v4.1: 13 of 1,553,490 alleles (0.00084%); highest among the groups gnomAD compares: South Asian, 0.012%; no homozygotes.

Submissions (2):

GeneDx
Classification: Uncertain significance. Last evaluated: 2022-02-01. Review status: criteria provided, single submitter. Criteria: GeneDx Variant Classification Process June 2021. Collection method: clinical testing. Allele origin: germline. Affected: yes.
Comment: In silico analysis supports that this missense variant does not alter protein structure/function; Has not been previously published as pathogenic or benign to our knowledge

PreventionGenetics, part of Exact Sciences
Classification: Uncertain significance for BSCL2-related condition. Last evaluated: 2024-05-03. Review status: no assertion criteria provided. Collection method: clinical testing. Allele origin: germline. Not counted in ClinVar's aggregate classification.
Comment: The BSCL2 c.78C>G variant is predicted to result in the amino acid substitution p.Asp26Glu. To our knowledge, this variant has not been reported in the literature. This variant is reported in 0.0087% of alleles in individuals of South Asian descent in gnomAD. At this time, the clinical significance of this variant is uncertain due to the absence of conclusive functional and genetic evidence.